The following is an entry in ClinVar:

ClinVar aggregate classification (germline): Benign (1 of 4 stars; one submission).

Conditions:
Immunodeficiency 104. Also called: IMMUNODEFICIENCY 104, SEVERE COMBINED; Severe combined immunodeficiency, autosomal recessive, T cell-negative, B cell-positive, NK cell-positive; SCID, AUTOSOMAL RECESSIVE, T CELL-NEGATIVE, B CELL-POSITIVE, NK CELL-POSITIVE; Severe Combined Immune Deficiency, Autosomal Recessive, TCell -Negative, B Cell-Positive, NK Cell-Positive, IL7R-Related. Identifiers: MedGen C5676890, MONDO:0012163, OMIM 608971.

Allele frequency attached by ClinVar (database versions not stated): gnomAD exomes 0.00950; gnomAD 0.01568 and 0.01668; TOPMed 0.01648; 1000 Genomes Project 30x 0.03592; 1000 Genomes Project 0.03594.
gnomAD v4.1: 3,263 of 232,978 alleles (1.4%); highest among the groups gnomAD compares: African/African-American, 4.8%; 86 homozygotes.

Submission:

Illumina Laboratory Services, Illumina
Classification: Benign for Immunodeficiency 104. Last evaluated: 2018-01-13. Review status: criteria provided, single submitter. Criteria: ICSL Variant Classification Criteria 13 December 2019. Collection method: clinical testing. Allele origin: germline.
Comment: This variant was observed in the ICSL laboratory as part of a predisposition screen in an ostensibly healthy population. It had not been previously curated by ICSL or reported in the Human Gene Mutation Database (HGMD: prior to June 1st, 2018), and was therefore a candidate for classification through an automated scoring system. Utilizing variant allele frequency, disease prevalence and penetrance estimates, and inheritance mode, an automated score was calculated to assess if this variant is too frequent to cause the disease. Based on the score and internal cut-off values, a variant classified as benign is not then subjected to further curation. The score for this variant resulted in a classification of benign for this disease.

NM_002185.5(IL7R):c.*2454T>A

Gene: IL7R (interleukin 7 receptor; plus strand). Cytogenetic location: 5p13.2.
Variant type: single nucleotide variant.
Coding change: c.*2454T>A on transcript NM_002185.5 (MANE Select); 2454 bases downstream of the stop codon, T replaced by A.
Molecular consequence: 3 prime UTR variant. On other transcripts: non-coding transcript variant (1).
Genome position (GRCh38, 1-based): chr5:35,878,940, T>A. VCF-style: chr5-35878940-T-A. GRCh37 (hg19) VCF-style: chr5-35879042-T-A.
Identifiers: ClinVar variation 905811 (VCV000905811.4), dbSNP rs6862072, ClinGen allele CA116978797.
Genomic context (GRCh38, chr5:35,878,940, plus strand): 5'-TCCTTTGTTTCAATGTTGTTTGGCATATGTTATCTTTGGAATTTAGTGTCTGAGCCTCTG[T>A]CTGTTACTGTAGTATTTAAAATGCATGTATTATAATCATATAATCATAACTGCTGTTAAT-3'